The following is an entry in ClinVar:

ClinVar aggregate classification (germline): Uncertain significance (1 of 4 stars; one submission).

Submission:

GeneDx
Classification: Uncertain significance. Last evaluated: 2023-02-07. Review status: criteria provided, single submitter. Criteria: GeneDx Variant Classification Process June 2021. Collection method: clinical testing. Allele origin: germline. Affected: yes.
Comment: Not observed at significant frequency in large population cohorts (gnomAD); In-frame deletion of 2 amino acids in a non-repeat region; In silico analysis supports that this variant does not alter protein structure/function; Has not been previously published as pathogenic or benign to our knowledge

NM_021008.4(DEAF1):c.69_74del (p.Val25_Ala26del)

Gene: DEAF1 (DEAF1 transcription factor; minus strand). Cytogenetic location: 11p15.5.
Variant type: Deletion.
Coding change: c.69_74del on transcript NM_021008.4 (MANE Select); coding-DNA positions 69 to 74, 6 bases deleted (CGCTGT; older notation c.69_74delCGCTGT).
Protein change: p.Val25_Ala26del.
Molecular consequence: inframe deletion. On other transcripts: inframe indel (1), intron variant (1).
Genome position (GRCh38, 1-based): chr11:694,974-694,979, ACAGCG deleted on the plus strand (CGCTGT on the coding strand, the reverse complement: DEAF1 is on the minus strand). VCF-style (leftmost placement, unchanged base first): chr11-694973-CACAGCG-C. GRCh37 (hg19) VCF-style: chr11-694973-CACAGCG-C.
Other names: c.69_74delCGCTGT, p.Val25_Ala26del (NM_001293634.2); c.-437-3381_-437-3376del (NM_001367390.1).
Identifiers: ClinVar variation 2574772 (VCV002574772.1), dbSNP rs2494507606, ClinGen allele CA2580616889.
Genomic context (GRCh38, chr11:694,973, plus strand): 5'-GTCCCTGCTCAGCACCGGCTCCTCCGCCTCGCCTCCTGCCGCGGCCGCGGCCGCCGCCGC[CACAGCG>C]GCCGCGGCCGCCACCGCCGCCGCCTCAGCCAGGCCCAGCTGCTTTGCCGCCGAGTCCGAG-3'